The following is an entry in ClinVar:

NM_000533.5(PLP1):c.623-2A>C

Genes: PLP1 (proteolipid protein 1; plus strand), RAB9B (RAB9B, member RAS oncogene family; minus strand). Cytogenetic location: Xq22.2.
Variant type: single nucleotide variant.
Coding change: c.623-2A>C on transcript NM_000533.5 (MANE Select); the canonical splice acceptor site of the intron before coding-DNA position 623, A replaced by C.
Molecular consequence: splice acceptor variant.
Genome position (GRCh38, 1-based): chrX:103,788,435, A>C. VCF-style: chrX-103788435-A-C. GRCh37 (hg19) VCF-style: chrX-103043364-A-C.
Other names: c.623-2A>C (NM_001128834.3); c.518-2A>C (NM_199478.3); c.458-2A>C (NM_001305004.1).
Identifiers: ClinVar variation 3252101 (VCV003252101.2), dbSNP rs2522317742.
Genomic context (GRCh38, chrX:103,788,435, plus strand): 5'-GTCTCCATGTGGCCCCGTAACTCCATAAAGCTTACCCTGCTTGCTTTTTGTGTCTTACTT[A>C]GGTGTTCTCCCATGGAATGCTTTCCCTGGCAAGGTTTGTGGCTCCAACCTTCTGTCCATC-3'

ClinVar aggregate classification (germline): Likely pathogenic (1 of 4 stars; one submission).

Conditions:
Pelizaeus-Merzbacher disease. Also called: LEUKODYSTROPHY, HYPOMYELINATING, 1; Pelizaeus-Merzbacher spectrum disorder; Pelizaeus-Merzbacher Disease (PMD); Sudanophilic leukodystrophy; Pelizeaus-Merzbacher spectrum disorder. Identifiers: Orphanet 702, MedGen C0205711, MONDO:0010714, OMIM 312080, HP:0003269.

Submission:

Molecular Diagnostics Lab, Nemours Children's Health, Delaware
Classification: Likely pathogenic for Pelizaeus-Merzbacher disease. Review status: criteria provided, single submitter. Criteria: ACMG Guidelines, 2015. Collection method: clinical testing. Allele origin: maternal, unknown. Affected: no. Observed: 1 heterozygote, 1 hemizygote.
Comment: This intronic variant (c.623-2A>C) is predicted to alter proper splicing of the PLP1 mRNA. It has not been observed in population databases (gnomAD). The change has not been reported in the literature and no functional studies have been published.